The following is an entry in ClinVar:

NM_004656.4(BAP1):c.2057-2A>G

Gene: BAP1 (BRCA1 associated deubiquitinase 1; minus strand). Cytogenetic location: 3p21.1.
Variant type: single nucleotide variant.
Coding change: c.2057-2A>G on transcript NM_004656.4 (MANE Select); the canonical splice acceptor site of the intron before coding-DNA position 2057, A replaced by G.
Molecular consequence: splice acceptor variant.
Genome position (GRCh38, 1-based): chr3:52,402,423, T>C on the plus strand (A>G on the coding strand, the complement: BAP1 is on the minus strand). VCF-style: chr3-52402423-T-C. GRCh37 (hg19) VCF-style: chr3-52436439-T-C.
Other names: IVS16AS, -2, A-G; c.2003-2A>G (NM_001410772.1).
Identifiers: ClinVar variation 30300 (VCV000030300.5), dbSNP rs587776878, ClinGen allele CA129101.
Genomic context (GRCh38, chr3:52,402,423, plus strand): 5'-GCTGACCCCTTGGCGCCGCCGCACGGAGATGTTCTGCTCCACTAGGTTGGCCAGCATGCC[T>C]GCGAAGAGGTAGAGACCCTTGAGCAGGTGCTGGCTGCCTCAGGCCAGGAGCTGAGGCTCT-3'

ClinVar aggregate classification (germline): Likely pathogenic. Review status: criteria provided, single submitter (1 of 4 stars). 2 submissions from 2 submitters: Likely pathogenic (1). 1 of the submissions does not count toward it. Last evaluated 2026-04-29.

Conditions:
Hereditary cancer-predisposing syndrome. Also called: Hereditary neoplastic syndrome; Neoplastic Syndromes, Hereditary; Hereditary Cancer Syndrome; Tumor predisposition. Identifiers: Orphanet 140162, MedGen C0027672, MeSH D009386, MONDO:0015356.
BAP1-related tumor predisposition syndrome (TPDS1). Also called: BAP1 tumor predisposition syndrome; COMMON Syndrome; TUMOR PREDISPOSITION SYNDROME 1; Tumor susceptibility linked to germline BAP1 mutations. Identifiers: Orphanet 289539, MedGen C3280492, MONDO:0013692, OMIM 614327.

Submissions (2):

Ambry Genetics
Classification: Likely pathogenic for Hereditary cancer-predisposing syndrome. Last evaluated: 2026-04-29. Review status: criteria provided, single submitter. Criteria: Ambry Variant Classification Scheme 2023. Collection method: clinical testing. Allele origin: germline.
Comment: The c.2057-2A>G intronic variant results from an A to G substitution two nucleotides upstream from coding exon 17 in the BAP1 gene. This alteration occurs at the 3' terminus of the BAP1 gene, is not expected to trigger nonsense-mediated mRNA decay, and only impacts the last 44 amino acids of the protein. RNA studies have shown this alteration results in the retention of intron 16 (Ambry internal data; Wiesner T et al. Nat Genet, 2011 Aug;43:1018-21). This alteration has been observed in at least one individual with a personal and/or family history that is consistent with BAP1-related disease (Ambry internal data). This variant was shown to segregate in a family with numerous melanocytic tumors, melanomas, and uveal melanomas that lacked BAP1 expression in immunohistochemistry (Wiesner T et al. Nat Genet, 2011 Aug;43:1018-21). This variant is considered to be rare based on population cohorts in the Genome Aggregation Database (gnomAD). This nucleotide position is highly conserved in available vertebrate species. In silico splice site analysis predicts that this alteration will weaken the native splice acceptor site and will result in the creation or strengthening of a novel splice acceptor site. Based on the majority of available evidence to date, this variant is likely to be pathogenic.

OMIM
Classification: Pathogenic for TUMOR PREDISPOSITION SYNDROME 1. Last evaluated: 2011-08-28. Review status: no assertion criteria provided. Collection method: literature only. Allele origin: unknown. Not counted in ClinVar's aggregate classification.

Literature cited by the submitters: PubMed 21874003 (cited by Ambry Genetics and OMIM).